The following is an entry in ClinVar:

ClinVar aggregate classification (germline): Uncertain significance (1 of 4 stars; one submission).

Conditions:
Arrhythmogenic right ventricular dysplasia 11. Also called: ARRHYTHMOGENIC RIGHT VENTRICULAR DYSPLASIA, FAMILIAL, 11; Arrhythmogenic Right Ventricular Dysplasia/Cardiomyopathy11; Arrhythmogenic right ventricular dysplasia 11 with mild palmoplantar keratoderma and woolly hair. Identifiers: MedGen C1864850, MONDO:0012506, OMIM 610476.

Submission:

Labcorp Genetics (formerly Invitae), Labcorp
Classification: Uncertain significance for Arrhythmogenic right ventricular dysplasia 11. Last evaluated: 2023-06-03. Review status: criteria provided, single submitter. Criteria: Invitae Variant Classification Sherloc (09022015). Collection method: clinical testing. Allele origin: germline.
Comment: Advanced modeling of protein sequence and biophysical properties (such as structural, functional, and spatial information, amino acid conservation, physicochemical variation, residue mobility, and thermodynamic stability) has been performed at Invitae for this missense variant, however the output from this modeling did not meet the statistical confidence thresholds required to predict the impact of this variant on DSC2 protein function. This sequence change replaces leucine, which is neutral and non-polar, with tryptophan, which is neutral and slightly polar, at codon 701 of the DSC2 protein (p.Leu701Trp). This variant is not present in population databases (gnomAD no frequency). This variant has not been reported in the literature in individuals affected with DSC2-related conditions. In summary, the available evidence is currently insufficient to determine the role of this variant in disease. Therefore, it has been classified as a Variant of Uncertain Significance.

NM_024422.6(DSC2):c.2102T>G (p.Leu701Trp)

Gene: DSC2 (desmocollin 2; minus strand). Cytogenetic location: 18q12.1.
Variant type: single nucleotide variant.
Coding change: c.2102T>G on transcript NM_024422.6 (MANE Select); coding-DNA position 2102, T replaced by G.
Protein change: p.Leu701Trp; replaces leucine 701 with tryptophan.
Molecular consequence: missense variant.
Genome position (GRCh38, 1-based): chr18:31,071,628, A>C on the plus strand (T>G on the coding strand, the complement: DSC2 is on the minus strand). VCF-style: chr18-31071628-A-C. GRCh37 (hg19) VCF-style: chr18-28651594-A-C.
Other names: c.1673T>G, p.Leu558Trp (NM_001406506.1, NM_001406507.1); c.2102T>G, p.Leu701Trp (NM_004949.5); short protein forms L558W, L701W.
Identifiers: ClinVar variation 2719945 (VCV002719945.3), dbSNP rs2510940291, ClinGen allele CA402112774.